The following is an entry in ClinVar:

NM_022437.3(ABCG8):c.1789C>A (p.Arg597=)

Gene: ABCG8 (ATP binding cassette subfamily G member 8; plus strand). Cytogenetic location: 2p21.
Variant type: single nucleotide variant.
Coding change: c.1789C>A on transcript NM_022437.3 (MANE Select); coding-DNA position 1789, C replaced by A.
Protein change: p.Arg597=; no amino-acid change (arginine 597 retained).
Molecular consequence: synonymous variant.
Genome position (GRCh38, 1-based): chr2:43,877,593, C>A. VCF-style: chr2-43877593-C-A. GRCh37 (hg19) VCF-style: chr2-44104732-C-A.
Other names: c.1786C>A, p.Arg596= (NM_001357321.2); c.1789C>A (NM_022437.2).
Identifiers: ClinVar variation 500864 (VCV000500864.11), dbSNP rs776778929, ClinGen allele CA46474130.

ClinVar aggregate classification (germline): Conflicting classifications of pathogenicity. Review status: criteria provided, conflicting classifications (1 of 4 stars). 4 submissions from 4 submitters: Uncertain significance (1); Likely benign (3). Last evaluated 2025-07-14.

Conditions:
ABCG8-related disorder. Also called: ABCG8-related condition.
Cardiovascular phenotype. Identifiers: MedGen CN230736.

Allele frequency attached by ClinVar (database versions not stated): gnomAD 0.00001; TOPMed 0.00001.
gnomAD v4.1: 24 of 1,613,914 alleles (0.0015%); highest among the groups gnomAD compares: Non-Finnish European, 0.0019%; no homozygotes.

Submissions (4):

PreventionGenetics, part of Exact Sciences
Classification: Likely benign for ABCG8-related condition. Last evaluated: 2025-07-14. Review status: criteria provided, single submitter. Criteria: ACMG Guidelines, 2015. Collection method: clinical testing. Allele origin: germline.
Comment: This variant is classified as likely benign based on ACMG/AMP sequence variant interpretation guidelines (Richards et al. 2015 PMID: 25741868, with internal and published modifications).

Labcorp Genetics (formerly Invitae), Labcorp
Classification: Likely benign. Last evaluated: 2025-02-26. Review status: criteria provided, single submitter. Criteria: Invitae Variant Classification Sherloc (09022015). Collection method: clinical testing. Allele origin: germline.

Ambry Genetics
Classification: Likely benign for Cardiovascular phenotype. Last evaluated: 2024-07-24. Review status: criteria provided, single submitter. Criteria: Ambry Variant Classification Scheme 2023. Collection method: clinical testing. Allele origin: germline.

Eurofins Ntd Llc (ga)
Classification: Uncertain significance. Last evaluated: 2017-03-14. Review status: criteria provided, single submitter. Criteria: EGL Classification Definitions 2015. Collection method: clinical testing. Allele origin: germline. Observed: 1 variant allele, 1 heterozygote.